The following is an entry in ClinVar:

NM_000069.3(CACNA1S):c.3666+4A>G

Gene: CACNA1S (calcium voltage-gated channel subunit alpha1 S; minus strand). Cytogenetic location: 1q32.1.
Variant type: single nucleotide variant.
Coding change: c.3666+4A>G on transcript NM_000069.3 (MANE Select); 4 bases into the intron after coding-DNA position 3666, A replaced by G.
Molecular consequence: intron variant.
Genome position (GRCh38, 1-based): chr1:201,054,501, T>C on the plus strand (A>G on the coding strand, the complement: CACNA1S is on the minus strand). VCF-style: chr1-201054501-T-C. GRCh37 (hg19) VCF-style: chr1-201023629-T-C.
Identifiers: ClinVar variation 4757543 (VCV004757543.1).

ClinVar aggregate classification (germline): Uncertain significance (1 of 4 stars; one submission).

Conditions:
Malignant hyperthermia, susceptibility to, 5 (MHS5). Also called: CACNA1S-Related Malignant Hyperthermia Susceptibility. Identifiers: Orphanet 423, MedGen C1866077, MONDO:0011163, OMIM 601887.

Submission:

Color Diagnostics, LLC DBA Color Health
Classification: Uncertain significance for Malignant hyperthermia, susceptibility to, 5. Last evaluated: 2025-07-07. Review status: criteria provided, single submitter. Criteria: ACMG Guidelines, 2015. Collection method: clinical testing. Allele origin: germline.
Comment: This variant causes an A to G nucleotide substitution at the +4 position of intron 29/43 of the CACNA1S gene. To our knowledge, functional studies have not been reported for this variant. This variant has not been reported in individuals affected with CACNA1S-related disorders in the literature. This variant has not been identified in the general population by the Genome Aggregation Database (gnomAD). The available evidence is insufficient to determine the role of this variant in disease conclusively. Therefore, this variant is classified as a Variant of Uncertain Significance.